The following is an entry in ClinVar:

ClinVar aggregate classification (germline): Uncertain significance. Review status: criteria provided, multiple submitters, no conflicts (2 of 4 stars). 3 submissions from 3 submitters: Uncertain significance (2). 1 of the submissions does not count toward it. Last evaluated 2025-10-21.

Conditions:
Hereditary cancer-predisposing syndrome. Also called: Hereditary Cancer Syndrome; Hereditary neoplastic syndrome; Neoplastic Syndromes, Hereditary; Tumor predisposition. Identifiers: Orphanet 140162, MedGen C0027672, MeSH D009386, MONDO:0015356.
Bloom syndrome (BLM). Also called: Bloom-Torre-Machacek syndrome. Identifiers: Orphanet 125, MedGen C0005859, MONDO:0008876, OMIM 210900.

gnomAD v4.1: 1 of 1,611,092 alleles (0.000062%); highest among the groups gnomAD compares: Non-Finnish European, 0.000085%; no homozygotes.

Submissions (3):

Ambry Genetics
Classification: Uncertain significance for Hereditary cancer-predisposing syndrome. Last evaluated: 2025-10-21. Review status: criteria provided, single submitter. Criteria: Ambry Variant Classification Scheme 2023. Collection method: clinical testing. Allele origin: germline.
Comment: The p.R19S variant (also known as c.57A>T), located in coding exon 1 of the BLM gene, results from an A to T substitution at nucleotide position 57. The arginine at codon 19 is replaced by serine, an amino acid with dissimilar properties. This amino acid position is well conserved in available vertebrate species. In addition, this alteration is predicted to be tolerated by in silico analysis. Since supporting evidence is limited at this time, the clinical significance of this alteration remains unclear.

Labcorp Genetics (formerly Invitae), Labcorp
Classification: Uncertain significance for Bloom syndrome. Last evaluated: 2025-08-22. Review status: criteria provided, single submitter. Criteria: Invitae Variant Classification Sherloc (09022015). Collection method: clinical testing. Allele origin: germline.
Comment: This sequence change replaces arginine, which is basic and polar, with serine, which is neutral and polar, at codon 19 of the BLM protein (p.Arg19Ser). This variant is not present in population databases (gnomAD no frequency). This variant has not been reported in the literature in individuals affected with BLM-related conditions. ClinVar contains an entry for this variant (Variation ID: 454158). An algorithm developed to predict the effect of missense changes on protein structure and function (PolyPhen-2) suggests that this variant is likely to be tolerated. In summary, the available evidence is currently insufficient to determine the role of this variant in disease. Therefore, it has been classified as a Variant of Uncertain Significance.

Natera, Inc.
Classification: Uncertain significance for Bloom syndrome. Last evaluated: 2020-09-16. Review status: no assertion criteria provided. Collection method: clinical testing. Allele origin: germline. Not counted in ClinVar's aggregate classification.

NM_000057.4(BLM):c.57A>T (p.Arg19Ser)

Gene: BLM (BLM RecQ like helicase; plus strand). Cytogenetic location: 15q26.1.
Variant type: single nucleotide variant.
Coding change: c.57A>T on transcript NM_000057.4 (MANE Select); coding-DNA position 57, A replaced by T.
Protein change: p.Arg19Ser; replaces arginine 19 with serine.
Molecular consequence: missense variant. On other transcripts: 5 prime UTR variant (1).
Genome position (GRCh38, 1-based): chr15:90,747,449, A>T. VCF-style: chr15-90747449-A-T. GRCh37 (hg19) VCF-style: chr15-91290679-A-T.
Other names: c.57A>T, p.Arg19Ser (NM_001287246.2, NM_001287247.2); c.-1235A>T (NM_001287248.2); short protein forms R19S.
Identifiers: ClinVar variation 454158 (VCV000454158.17), dbSNP rs1555418008, ClinGen allele CA393838921.